The following is an entry in ClinVar:

NM_003620.4(PPM1D):c.1304A>G (p.His435Arg)

Gene: PPM1D (protein phosphatase, Mg2+/Mn2+ dependent 1D; plus strand). Cytogenetic location: 17q23.2.
Variant type: single nucleotide variant.
Coding change: c.1304A>G on transcript NM_003620.4 (MANE Select); coding-DNA position 1304, A replaced by G.
Protein change: p.His435Arg; replaces histidine 435 with arginine.
Molecular consequence: missense variant.
Genome position (GRCh38, 1-based): chr17:60,663,038, A>G. VCF-style: chr17-60663038-A-G. GRCh37 (hg19) VCF-style: chr17-58740399-A-G.
Other names: short protein forms H435R.
Identifiers: ClinVar variation 2897998 (VCV002897998.3), dbSNP rs1413528897, ClinGen allele CA400456346.

ClinVar aggregate classification (germline): Uncertain significance (1 of 4 stars; one submission).

Allele frequency attached by ClinVar (database versions not stated): gnomAD exomes 0.00001.
gnomAD v4.1: 6 of 1,613,998 alleles (0.00037%); highest among the groups gnomAD compares: Admixed American, 0.0083%; no homozygotes.

Submission:

Labcorp Genetics (formerly Invitae), Labcorp
Classification: Uncertain significance. Last evaluated: 2023-04-18. Review status: criteria provided, single submitter. Criteria: Invitae Variant Classification Sherloc (09022015). Collection method: clinical testing. Allele origin: germline.
Comment: In summary, the available evidence is currently insufficient to determine the role of this variant in disease. Therefore, it has been classified as a Variant of Uncertain Significance. An algorithm developed to predict the effect of missense changes on protein structure and function (PolyPhen-2) suggests that this variant is likely to be tolerated. This variant has not been reported in the literature in individuals affected with PPM1D-related conditions. This variant is present in population databases (no rsID available, gnomAD 0.006%). This sequence change replaces histidine, which is basic and polar, with arginine, which is basic and polar, at codon 435 of the PPM1D protein (p.His435Arg).